The following is an entry in ClinVar:

NM_015338.6(ASXL1):c.4120G>C (p.Val1374Leu)

Gene: ASXL1 (ASXL transcriptional regulator 1; plus strand). Cytogenetic location: 20q11.21.
Variant type: single nucleotide variant.
Coding change: c.4120G>C on transcript NM_015338.6 (MANE Select); coding-DNA position 4120, G replaced by C.
Protein change: p.Val1374Leu; replaces valine 1374 with leucine.
Molecular consequence: missense variant.
Genome position (GRCh38, 1-based): chr20:32,436,832, G>C. VCF-style: chr20-32436832-G-C. GRCh37 (hg19) VCF-style: chr20-31024635-G-C.
Other names: c.3937G>C, p.Val1313Leu (NM_001363734.1); short protein forms V1313L, V1374L.
Identifiers: ClinVar variation 1393329 (VCV001393329.6), dbSNP rs1174240695, ClinGen allele CA408564488.

ClinVar aggregate classification (germline): Uncertain significance (1 of 4 stars; one submission).

Submission:

Labcorp Genetics (formerly Invitae), Labcorp
Classification: Uncertain significance. Last evaluated: 2023-05-22. Review status: criteria provided, single submitter. Criteria: Invitae Variant Classification Sherloc (09022015). Collection method: clinical testing. Allele origin: germline.
Comment: This sequence change replaces valine, which is neutral and non-polar, with leucine, which is neutral and non-polar, at codon 1374 of the ASXL1 protein (p.Val1374Leu). In summary, the available evidence is currently insufficient to determine the role of this variant in disease. Therefore, it has been classified as a Variant of Uncertain Significance. Algorithms developed to predict the effect of missense changes on protein structure and function output the following: SIFT: "Not Available"; PolyPhen-2: "Benign"; Align-GVGD: "Not Available". The leucine amino acid residue is found in multiple mammalian species, which suggests that this missense change does not adversely affect protein function. ClinVar contains an entry for this variant (Variation ID: 1393329). This variant has not been reported in the literature in individuals affected with ASXL1-related conditions. This variant is not present in population databases (gnomAD no frequency).